The following is an entry in ClinVar:

ClinVar aggregate classification (germline): other (0 of 4 stars; one submission).

Conditions:
Familial colorectal cancer. Identifiers: MedGen CN280943, MONDO:0023113. Disease mechanism: loss of function.

Submission:

Systems Biology Platform Zhejiang California International NanoSystems Institute
Classification: other for Familial colorectal cancer. Review status: no assertion criteria provided. Collection method: not provided. Allele origin: unknown.
ClinVar note: Converted during submission from cancer to other.

NM_000038.6(APC):c.645+3455G>C

Gene: APC (APC regulator of WNT signaling pathway; plus strand). Cytogenetic location: 5q22.2.
Variant type: single nucleotide variant.
Coding change: c.645+3455G>C on transcript NM_000038.6 (MANE Select); 3455 bases into the intron after coding-DNA position 645, G replaced by C.
Molecular consequence: intron variant.
Genome position (GRCh38, 1-based): chr5:112,784,358, G>C. VCF-style: chr5-112784358-G-C. GRCh37 (hg19) VCF-style: chr5-112120055-G-C.
Other names: c.645+3455G>C (NM_001354895.2, NM_001127510.3, NM_001354896.2 and 2 more transcripts); c.675+3455G>C (NM_001354897.2, NM_001354902.2, NM_001127511.3); c.570+3455G>C (NM_001354898.2, NM_001354904.2); c.-391+3455G>C (NM_001354906.2); c.468+3455G>C (NM_001354900.2, NM_001354901.2, NM_001354905.2).
Identifiers: ClinVar variation 82446 (VCV000082446.2), dbSNP rs78601717, ClinGen allele CA011447.